The following is an entry in ClinVar:

ClinVar aggregate classification (germline): Uncertain significance (1 of 4 stars; one submission).

Conditions:
Primary ciliary dyskinesia. Also called: Ciliary dyskinesia. Identifiers: Orphanet 244, MedGen C0008780, MONDO:0016575, HP:0012265.

Allele frequency attached by ClinVar (database versions not stated): ExAC 0.00001.
gnomAD v4.1: 10 of 1,613,690 alleles (0.00062%); highest among the groups gnomAD compares: Non-Finnish European, 0.00076%; no homozygotes.

Submission:

Labcorp Genetics (formerly Invitae), Labcorp
Classification: Uncertain significance for Primary ciliary dyskinesia. Last evaluated: 2022-08-09. Review status: criteria provided, single submitter. Criteria: Invitae Variant Classification Sherloc (09022015). Collection method: clinical testing. Allele origin: germline.
Comment: This sequence change falls in intron 62 of the DNAH11 gene. It does not directly change the encoded amino acid sequence of the DNAH11 protein. It affects a nucleotide within the consensus splice site. This variant is present in population databases (rs757987495, gnomAD 0.0009%). This variant has not been reported in the literature in individuals affected with DNAH11-related conditions. Variants that disrupt the consensus splice site are a relatively common cause of aberrant splicing (PMID: 17576681, 9536098). Algorithms developed to predict the effect of sequence changes on RNA splicing suggest that this variant is not likely to affect RNA splicing. In summary, the available evidence is currently insufficient to determine the role of this variant in disease. Therefore, it has been classified as a Variant of Uncertain Significance.

Literature cited by the submitters: PubMed 17576681; PubMed 9536098.

NM_001277115.2(DNAH11):c.10165+6A>T

Gene: DNAH11 (dynein axonemal heavy chain 11; plus strand). Cytogenetic location: 7p15.3.
Variant type: single nucleotide variant.
Coding change: c.10165+6A>T on transcript NM_001277115.2 (MANE Select); 6 bases into the intron after coding-DNA position 10165, A replaced by T.
Molecular consequence: intron variant.
Genome position (GRCh38, 1-based): chr7:21,801,281, A>T. VCF-style: chr7-21801281-A-T. GRCh37 (hg19) VCF-style: chr7-21840899-A-T.
Identifiers: ClinVar variation 2192676 (VCV002192676.1), dbSNP rs757987495, ClinGen allele CA4182249.
Genomic context (GRCh38, chr7:21,801,281, plus strand): 5'-CAAACCAACAAAACCATCAAATTAGCTAACAGACTTGTCAAGGAACTTGAGGCAAGTTAA[A>T]CCTTTTCTTCCAAACATTCTAACTAAAATGTTCAGATCAGCTTGTGGGGATTTTATTATT-3'